The following is an entry in ClinVar:

ClinVar aggregate classification (germline): Pathogenic (1 of 4 stars; one submission).

Conditions:
Gaucher disease. Also called: Acute cerebral Gaucher disease; Cerebroside lipidosis syndrome; Gaucher splenomegaly; Sphingolipidosis 1; Glucocerebrosidosis; Glucosylceramidase deficiency. Identifiers: Orphanet 355, MedGen C0017205, MONDO:0018150.

Submission:

Natera, Inc.
Classification: Pathogenic for Gaucher disease. Last evaluated: 2024-02-21. Review status: criteria provided, single submitter. Criteria: Natera Variant Classification Schema (03/2026). Collection method: clinical testing. Allele origin: germline.
Comment: The c.115+2T>A variant in GBA1 is a canonical splice donor site variant predicted to affect pre-mRNA splicing, which may result in an abnormal transcript and altered protein product. This variant is expected to result in nonsense mediated decay, truncation, or a dysfunctional protein product. This variant is rare in the general population with a frequency below the threshold expected for the associated phenotype(s). Another variant at this same site results in an alteration predicted to cause a similar molecular effect has been observed in individual(s) with the associated phenotype. Given the available evidence, this variant is classified as Pathogenic.

NM_000157.4(GBA1):c.115+2T>A

Gene: GBA1 (glucosylceramidase beta 1; minus strand). Cytogenetic location: 1q22.
Variant type: single nucleotide variant.
Coding change: c.115+2T>A on transcript NM_000157.4 (MANE Select); the canonical splice donor site of the intron after coding-DNA position 115, T replaced by A.
Molecular consequence: splice donor variant. On other transcripts: intron variant (1).
Genome position (GRCh38, 1-based): chr1:155,240,628, A>T on the plus strand (T>A on the coding strand, the complement: GBA1 is on the minus strand). VCF-style: chr1-155240628-A-T. GRCh37 (hg19) VCF-style: chr1-155210419-A-T.
Other names: c.-146-551T>A (NM_001171811.2); c.115+2T>A (NM_001005742.3, NM_001005741.3, NM_001171812.2).
Identifiers: ClinVar variation 4817678 (VCV004817678.1).